The following is an entry in ClinVar:

NM_015107.3(PHF8):c.2476C>T (p.Pro826Ser)

Gene: PHF8 (PHD finger protein 8; minus strand). Cytogenetic location: Xp11.22.
Variant type: single nucleotide variant.
Coding change: c.2476C>T on transcript NM_015107.3 (MANE Select); coding-DNA position 2476, C replaced by T.
Protein change: p.Pro826Ser; replaces proline 826 with serine.
Molecular consequence: missense variant.
Genome position (GRCh38, 1-based): chrX:53,962,907, G>A on the plus strand (C>T on the coding strand, the complement: PHF8 is on the minus strand). VCF-style: chrX-53962907-G-A. GRCh37 (hg19) VCF-style: chrX-53989340-G-A.
Other names: c.2584C>T, p.Pro862Ser (NM_001184896.1); c.2173C>T, p.Pro725Ser (NM_001184897.2); c.2425C>T, p.Pro809Ser (NM_001184898.2); short protein forms P725S, P809S, P826S, P862S.
Identifiers: ClinVar variation 2582170 (VCV002582170.1), dbSNP rs1460758361, ClinGen allele CA413246177.
Genomic context (GRCh38, chrX:53,962,907, plus strand): 5'-TAGGACTCCATGGAGCATCATCTGAATTCTTCTTTTTCTTGGGTCGAGATTTCAAAGCAG[G>A]GTCATCATCATCAGACTCCAGTGAAGGATAGACTGCAGGGAGAAGGGAAAACAGGGTAAA-3'
Protein context (NP_055922.1, residues 816-836): YPSLESDDDD[Pro826Ser]ALKSRPKKKK

ClinVar aggregate classification (germline): Uncertain significance (1 of 4 stars; one submission).

Allele frequency attached by ClinVar (database versions not stated): TOPMed 0.00001.

Submission:

GeneDx
Classification: Uncertain significance. Last evaluated: 2023-03-30. Review status: criteria provided, single submitter. Criteria: GeneDx Variant Classification Process June 2021. Collection method: clinical testing. Allele origin: germline. Affected: yes.
Comment: Not observed at significant frequency in large population cohorts (gnomAD); In silico analysis supports that this missense variant has a deleterious effect on protein structure/function; Has not been previously published as pathogenic or benign to our knowledge